The following is an entry in ClinVar:

NM_001387690.1(KATNAL2):c.880_883del (p.Gly294fs)

Gene: KATNAL2 (katanin catalytic subunit A1 like 2; plus strand). Cytogenetic location: 18q21.1.
Variant type: Deletion.
Coding change: c.880_883del on transcript NM_001387690.1 (MANE Select); coding-DNA positions 880 to 883, 4 bases deleted (GGCC; older notation c.880_883delGGCC).
Protein change: p.Gly294fs; shifts the reading frame from glycine 294.
Molecular consequence: frameshift variant. On other transcripts: non-coding transcript variant (1).
Genome position (GRCh38, 1-based): chr18:47,069,274-47,069,277, GGCC deleted; deleting any 4 consecutive bases within chr18:47,069,273-47,069,277 gives the same sequence; the c. name uses the placement nearest the transcript's 3' end. VCF-style (leftmost placement, unchanged base first): chr18-47069272-ACGGC-A. GRCh37 (hg19) VCF-style: chr18-44595643-ACGGC-A.
Other names: c.958_961del, p.Gly320fs (NM_001353899.1); c.955_958del, p.Gly319fs (NM_001353900.1); c.880_883del, p.Gly294fs (NM_001353901.1, NM_001367621.1); c.859_862del, p.Gly287fs (NM_001353902.1); c.547_550del, p.Gly183fs (NM_001353903.1, NM_001353905.1, NM_001353906.1 and 1 more transcripts); c.448_451del, p.Gly150fs (NM_001353904.1, NM_001353908.1, NM_001353909.1); c.664_667del, p.Gly222fs (NM_031303.3); short protein forms G294fs, G222fs, G320fs, G150fs, G183fs, G287fs, G319fs.
Identifiers: ClinVar variation 1754644 (VCV001754644.4), dbSNP rs778986944, ClinGen allele CA8955123.

ClinVar aggregate classification (germline): Uncertain significance. Review status: criteria provided, multiple submitters, no conflicts (2 of 4 stars). 2 submissions from 2 submitters: Uncertain significance (2). Last evaluated 2025-12-28.

Submissions (2):

Dasa
Classification: Uncertain significance. Last evaluated: 2025-12-28. Review status: criteria provided, single submitter. Criteria: DASA Assertion Criteria. Collection method: clinical testing. Allele origin: germline.
Comment: NM_001387690.1(KATNAL2):c.880_883del (p.Gly294Leufs*64) is a frameshift variant in KATNAL2 predicted to alter the reading frame and introduce a premature termination codon. This variant is rare in population databases. The currently available literature and clinical evidence are not sufficient to establish a definitive association between this variant and the reported condition. Therefore, this variant is classified as a variant of uncertain significance.

Ambry Genetics
Classification: Uncertain significance. Last evaluated: 2017-06-30. Review status: criteria provided, single submitter. Criteria: Ambry Variant Classification Scheme 2023. Collection method: clinical testing. Allele origin: germline.
Comment: The c.664_667delGGCC variant, located in coding exon 8 of the KATNAL2 gene, results from a deletion of 4 nucleotides at nucleotide positions 664 to 667, causing a translational frameshift with a predicted alternate stop codon (p.G222Lfs*64). This alteration is expected to result in loss of function by premature protein truncation or nonsense-mediated mRNA decay. However, loss of function alterations in KATNAL2 have been observed in the general population (Ropers HH and Wienker T Eur J Med Genet 2015 Dec;58(12):715-8) and in unaffected family members (Yuen RK et al. Nat. Med. 2015 Feb;21(2):185-91). Since supporting evidence is limited at this time, the clinical significance of this alteration remains unclear.

Literature cited by the submitters: PubMed 25621899 (cited by Ambry Genetics); PubMed 26506440 (cited by Ambry Genetics).